The following is an entry in ClinVar:

NM_005534.4(IFNGR2):c.788C>T (p.Ala263Val)

Genes: TMEM50B (transmembrane protein 50B; minus strand), IFNGR2 (interferon gamma receptor 2; plus strand). Cytogenetic location: 21q22.11.
Variant type: single nucleotide variant.
Coding change: c.788C>T on transcript NM_005534.4 (MANE Select); coding-DNA position 788, C replaced by T.
Protein change: p.Ala263Val; replaces alanine 263 with valine.
Molecular consequence: missense variant. On other transcripts: non-coding transcript variant (1).
Genome position (GRCh38, 1-based): chr21:33,432,780, C>T. VCF-style: chr21-33432780-C-T. GRCh37 (hg19) VCF-style: chr21-34805087-C-T.
Other names: c.845C>T, p.Ala282Val (NM_001329128.2); short protein forms A263V, A282V.
Identifiers: ClinVar variation 998754 (VCV000998754.9), dbSNP rs2083902202, ClinGen allele CA410112203.

ClinVar aggregate classification (germline): Uncertain significance (1 of 4 stars; one submission).

Conditions:
Immunodeficiency 28 (IMD28). Also called: IFNGR2 DEFICIENCY. Identifiers: Orphanet 319547, Orphanet 319574, MedGen C4013947, MONDO:0013953, OMIM 614889.

Submission:

Labcorp Genetics (formerly Invitae), Labcorp
Classification: Uncertain significance for Immunodeficiency 28. Last evaluated: 2023-02-06. Review status: criteria provided, single submitter. Criteria: Invitae Variant Classification Sherloc (09022015). Collection method: clinical testing. Allele origin: germline.
Comment: This sequence change replaces alanine, which is neutral and non-polar, with valine, which is neutral and non-polar, at codon 263 of the IFNGR2 protein (p.Ala263Val). This variant is not present in population databases (gnomAD no frequency). This variant has not been reported in the literature in individuals affected with IFNGR2-related conditions. ClinVar contains an entry for this variant (Variation ID: 998754). Advanced modeling of protein sequence and biophysical properties (such as structural, functional, and spatial information, amino acid conservation, physicochemical variation, residue mobility, and thermodynamic stability) performed at Invitae indicates that this missense variant is not expected to disrupt IFNGR2 protein function. In summary, the available evidence is currently insufficient to determine the role of this variant in disease. Therefore, it has been classified as a Variant of Uncertain Significance.